The following is an entry in ClinVar:

NM_198253.3(TERT):c.722G>A (p.Gly241Asp)

Gene: TERT (telomerase reverse transcriptase; minus strand). Cytogenetic location: 5p15.33.
Variant type: single nucleotide variant.
Coding change: c.722G>A on transcript NM_198253.3 (MANE Select); coding-DNA position 722, G replaced by A.
Protein change: p.Gly241Asp; replaces glycine 241 with aspartic acid.
Molecular consequence: missense variant. On other transcripts: non-coding transcript variant (2).
Genome position (GRCh38, 1-based): chr5:1,294,164, C>T on the plus strand (G>A on the coding strand, the complement: TERT is on the minus strand). VCF-style: chr5-1294164-C-T. GRCh37 (hg19) VCF-style: chr5-1294279-C-T.
Other names: c.722G>A, p.Gly241Asp (NM_001193376.3, NM_003219.1); short protein forms G241D.
Identifiers: ClinVar variation 2454082 (VCV002454082.2), dbSNP rs1338516048, ClinGen allele CA359056956.

ClinVar aggregate classification (germline): Uncertain significance (1 of 4 stars; one submission).

Conditions:
Dyskeratosis congenita. Identifiers: Orphanet 1775, MedGen C0265965, MONDO:0015780.

Allele frequency attached by ClinVar (database versions not stated): gnomAD exomes below 0.00001.

Submission:

Ambry Genetics
Classification: Uncertain significance for Dyskeratosis congenita. Last evaluated: 2023-01-26. Review status: criteria provided, single submitter. Criteria: Ambry Variant Classification Scheme 2023. Collection method: clinical testing. Allele origin: germline.
Comment: The p.G241D variant (also known as c.722G>A), located in coding exon 2 of the TERT gene, results from a G to A substitution at nucleotide position 722. The glycine at codon 241 is replaced by aspartic acid, an amino acid with similar properties. This amino acid position is conserved. In addition, this alteration is predicted to be tolerated by in silico analysis. Since supporting evidence is limited at this time, the clinical significance of this alteration remains unclear.